The following is an entry in ClinVar:

ClinVar aggregate classification (germline): Likely benign. Review status: criteria provided, multiple submitters, no conflicts (2 of 4 stars). 2 submissions from 2 submitters: Likely benign (2). Last evaluated 2025-12-23.

Conditions:
Charcot-Marie-Tooth disease axonal type 2C (HMSN2C). Also called: Charcot-Marie-Tooth Disease Type 2, TRPV4-Related (CMT2C); CHARCOT-MARIE-TOOTH DISEASE, AXONAL, AUTOSOMAL DOMINANT, TYPE 2C; Charcot-Marie-Tooth Neuropathy Type 2C. Identifiers: Orphanet 99937, MedGen C1853710, MONDO:0011633, OMIM 606071.

Allele frequency attached by ClinVar (database versions not stated): gnomAD exomes below 0.00001; TOPMed 0.00002; gnomAD 0.00001.
gnomAD v4.1: 2 of 1,613,766 alleles (0.00012%); highest among the groups gnomAD compares: African/African-American, 0.0027%; no homozygotes.

Submissions (2):

Labcorp Genetics (formerly Invitae), Labcorp
Classification: Likely benign for Charcot-Marie-Tooth disease axonal type 2C. Last evaluated: 2025-12-23. Review status: criteria provided, single submitter. Criteria: Invitae Variant Classification Sherloc (09022015). Collection method: clinical testing. Allele origin: germline.

GeneDx
Classification: Likely benign. Last evaluated: 2018-04-19. Review status: criteria provided, single submitter. Criteria: GeneDx Variant Classification (06012015). Collection method: clinical testing. Allele origin: germline. Affected: yes.
Comment: This variant is considered likely benign or benign based on one or more of the following criteria: it is a conservative change, it occurs at a poorly conserved position in the protein, it is predicted to be benign by multiple in silico algorithms, and/or has population frequency not consistent with disease.

NM_021625.5(TRPV4):c.724C>T (p.Leu242=)

Gene: TRPV4 (transient receptor potential cation channel subfamily V member 4; minus strand). Cytogenetic location: 12q24.11.
Variant type: single nucleotide variant.
Coding change: c.724C>T on transcript NM_021625.5 (MANE Select); coding-DNA position 724, C replaced by T.
Protein change: p.Leu242=; no amino-acid change (leucine 242 retained).
Molecular consequence: synonymous variant. On other transcripts: intron variant (2).
Genome position (GRCh38, 1-based): chr12:109,800,747, G>A on the plus strand (C>T on the coding strand, the complement: TRPV4 is on the minus strand). VCF-style: chr12-109800747-G-A. GRCh37 (hg19) VCF-style: chr12-110238552-G-A.
Other names: c.622C>T, p.Leu208= (NM_001177431.2); c.724C>T, p.Leu242= (NM_147204.3); c.713-1835C>T (NM_001177433.1, NM_001177428.1).
Identifiers: ClinVar variation 682084 (VCV000682084.2), dbSNP rs1038246935, ClinGen allele CA243469186.